The following is an entry in ClinVar:

NM_000081.4(LYST):c.5186A>T (p.Lys1729Met)

Gene: LYST (lysosomal trafficking regulator; minus strand). Cytogenetic location: 1q42.3.
Variant type: single nucleotide variant.
Coding change: c.5186A>T on transcript NM_000081.4 (MANE Select); coding-DNA position 5186, A replaced by T.
Protein change: p.Lys1729Met; replaces lysine 1729 with methionine.
Molecular consequence: missense variant.
Genome position (GRCh38, 1-based): chr1:235,780,893, T>A on the plus strand (A>T on the coding strand, the complement: LYST is on the minus strand). VCF-style: chr1-235780893-T-A. GRCh37 (hg19) VCF-style: chr1-235944193-T-A.
Other names: c.5186A>T, p.Lys1729Met (NM_001301365.1); short protein forms K1729M.
Identifiers: ClinVar variation 966530 (VCV000966530.9), dbSNP rs2528030737, ClinGen allele CA344955183.

ClinVar aggregate classification (germline): Uncertain significance (1 of 4 stars; one submission).

Conditions:
Chédiak-Higashi syndrome (CHS). Also called: Chediak-Higashi Syndrome. Identifiers: Orphanet 167, MedGen C0007965, MONDO:0008963, OMIM 214500.

Submission:

Labcorp Genetics (formerly Invitae), Labcorp
Classification: Uncertain significance for Chédiak-Higashi syndrome. Last evaluated: 2024-10-07. Review status: criteria provided, single submitter. Criteria: Invitae Variant Classification Sherloc (09022015). Collection method: clinical testing. Allele origin: germline.
Comment: This sequence change replaces lysine, which is basic and polar, with methionine, which is neutral and non-polar, at codon 1729 of the LYST protein (p.Lys1729Met). This variant is not present in population databases (gnomAD no frequency). This missense change has been observed in individual(s) with systemic juvenile idiopathic arthritis (PMID: 25047945). ClinVar contains an entry for this variant (Variation ID: 966530). Invitae Evidence Modeling of protein sequence and biophysical properties (such as structural, functional, and spatial information, amino acid conservation, physicochemical variation, residue mobility, and thermodynamic stability) indicates that this missense variant is not expected to disrupt LYST protein function with a negative predictive value of 80%. In summary, the available evidence is currently insufficient to determine the role of this variant in disease. Therefore, it has been classified as a Variant of Uncertain Significance.

Literature cited by the submitters: PubMed 25047945.